The following is an entry in ClinVar:

ClinVar aggregate classification (germline): Benign/Likely benign. Review status: criteria provided, multiple submitters, no conflicts (2 of 4 stars). 4 submissions from 4 submitters: Benign (1); Likely benign (3). Last evaluated 2025-08-07.

Conditions:
Ataxia-telangiectasia syndrome (AT). Also called: Ataxia-telangiectasia; Cerebello-oculocutaneous telangiectasia; Immunodeficiency with ataxia telangiectasia; Ataxia-telangiectasia, complementation group D; AT, COMPLEMENTATION GROUP C; Ataxia telangiectasia (A-T). Identifiers: Orphanet 100, MedGen C0004135, MONDO:0008840, OMIM 208900.
Familial cancer of breast. Also called: BREAST CANCER, FAMILIAL; Hereditary breast cancer; hereditary breast carcinoma. Identifiers: Orphanet 227535, MedGen C0346153, MONDO:0016419, OMIM 114480. Disease mechanism: loss of function.
Hereditary cancer-predisposing syndrome. Also called: Hereditary Cancer Syndrome; Hereditary neoplastic syndrome; Neoplastic Syndromes, Hereditary; Tumor predisposition. Identifiers: Orphanet 140162, MedGen C0027672, MeSH D009386, MONDO:0015356.

Submissions (4):

Color Diagnostics, LLC DBA Color Health
Classification: Likely benign for Hereditary cancer-predisposing syndrome. Last evaluated: 2025-08-07. Review status: criteria provided, single submitter. Criteria: ACMG Guidelines, 2015. Collection method: clinical testing. Allele origin: germline.

Labcorp Genetics (formerly Invitae), Labcorp
Classification: Likely benign for Ataxia-telangiectasia syndrome. Last evaluated: 2024-05-28. Review status: criteria provided, single submitter. Criteria: Invitae Variant Classification Sherloc (09022015). Collection method: clinical testing. Allele origin: germline.

Myriad Genetics, Inc.
Classification: Benign for Familial cancer of breast. Last evaluated: 2024-05-15. Review status: criteria provided, single submitter. Criteria: Myriad Autosomal Dominant, Autosomal Recessive and X-Linked Classification Criteria (2023). Collection method: clinical testing. Allele origin: unknown.
Comment: This variant is considered benign. This variant is a silent/synonymous amino acid change and it is not expected to impact splicing.

Ambry Genetics
Classification: Likely benign for Hereditary cancer-predisposing syndrome. Last evaluated: 2022-12-21. Review status: criteria provided, single submitter. Criteria: Ambry Variant Classification Scheme 2023. Collection method: clinical testing. Allele origin: germline.

NM_000051.4(ATM):c.3948C>T (p.Thr1316=)

Gene: ATM (ATM serine/threonine kinase; plus strand). Cytogenetic location: 11q22.3.
Variant type: single nucleotide variant.
Coding change: c.3948C>T on transcript NM_000051.4 (MANE Select); coding-DNA position 3948, C replaced by T.
Protein change: p.Thr1316=; no amino-acid change (threonine 1316 retained).
Molecular consequence: synonymous variant.
Genome position (GRCh38, 1-based): chr11:108,284,428, C>T. VCF-style: chr11-108284428-C-T. GRCh37 (hg19) VCF-style: chr11-108155155-C-T.
Other names: c.3948C>T (NM_000051.3); c.3948C>T, p.Thr1316= (NM_001351834.2).
Identifiers: ClinVar variation 1149875 (VCV001149875.10), dbSNP rs2135709208, ClinGen allele CA476744923.
Genomic context (GRCh38, chr11:108,284,428, plus strand): 5'-TTATTTTGCCTATGAGGGTACCAGAGACAGTGGGATGGCACAGCAAAGAGAGACTGCTAC[C>T]AAGGTCTATGATATGCTTAAAAGTGAAAACTTATTGGGAAAACAGGTATGGCTTCAATTT-3'
Protein context (NP_000042.3, residues 1306-1326): SGMAQQRETA[Thr1316=]KVYDMLKSEN